The following is an entry in ClinVar:

ClinVar aggregate classification (germline): Uncertain significance (1 of 4 stars; one submission).

Allele frequency attached by ClinVar (database versions not stated): gnomAD exomes below 0.00001.
gnomAD v4.1: 1 of 1,613,688 alleles (0.000062%); highest among the groups gnomAD compares: Non-Finnish European, 0.000085%; no homozygotes.

Submission:

Labcorp Genetics (formerly Invitae), Labcorp
Classification: Uncertain significance. Last evaluated: 2022-03-19. Review status: criteria provided, single submitter. Criteria: Invitae Variant Classification Sherloc (09022015). Collection method: clinical testing. Allele origin: germline.
Comment: In summary, the available evidence is currently insufficient to determine the role of this variant in disease. Therefore, it has been classified as a Variant of Uncertain Significance. Algorithms developed to predict the effect of missense changes on protein structure and function are either unavailable or do not agree on the potential impact of this missense change (SIFT: "Deleterious"; PolyPhen-2: "Probably Damaging"; Align-GVGD: "Class C15"). This variant has not been reported in the literature in individuals affected with RORB-related conditions. This variant is not present in population databases (gnomAD no frequency). This sequence change replaces threonine, which is neutral and polar, with isoleucine, which is neutral and non-polar, at codon 355 of the RORB protein (p.Thr355Ile).

NM_006914.4(RORB):c.1064C>T (p.Thr355Ile)

Gene: RORB (RAR related orphan receptor B; plus strand). Cytogenetic location: 9q21.13.
Variant type: single nucleotide variant.
Coding change: c.1064C>T on transcript NM_006914.4 (MANE Select); coding-DNA position 1064, C replaced by T.
Protein change: p.Thr355Ile; replaces threonine 355 with isoleucine.
Molecular consequence: missense variant.
Genome position (GRCh38, 1-based): chr9:74,667,854, C>T. VCF-style: chr9-74667854-C-T. GRCh37 (hg19) VCF-style: chr9-77282770-C-T.
Other names: c.1097C>T, p.Thr366Ile (NM_001365023.1); short protein forms T366I, T355I.
Identifiers: ClinVar variation 1493329 (VCV001493329.8), dbSNP rs2118532967, ClinGen allele CA373771475.
Genomic context (GRCh38, chr9:74,667,854, plus strand): 5'-CTGATGACCTAGTGAATGAAGCATTTGACTTTGCAAAGAATTTGTGTTCCTTGCAGCTGA[C>T]CGAGGAGGAGATCGCTTTGTTCTCATCTGCTGTTCTGATATCTCCAGGTAGGGCAGTCTC-3'
Protein context (NP_008845.2, residues 345-365): FAKNLCSLQL[Thr355Ile]EEEIALFSSA